The following is an entry in ClinVar:

NM_001458.5(FLNC):c.4162G>A (p.Glu1388Lys)

Gene: FLNC (filamin C; plus strand). Cytogenetic location: 7q32.1.
Variant type: single nucleotide variant.
Coding change: c.4162G>A on transcript NM_001458.5 (MANE Select); coding-DNA position 4162, G replaced by A.
Protein change: p.Glu1388Lys; replaces glutamic acid 1388 with lysine.
Molecular consequence: missense variant.
Genome position (GRCh38, 1-based): chr7:128,846,779, G>A. VCF-style: chr7-128846779-G-A. GRCh37 (hg19) VCF-style: chr7-128486833-G-A.
Other names: c.4162G>A, p.Glu1388Lys (NM_001127487.2); short protein forms E1388K.
Identifiers: ClinVar variation 2171651 (VCV002171651.4), dbSNP rs531903474, ClinGen allele CA4475266.
Genomic context (GRCh38, chr7:128,846,779, plus strand): 5'-GCTGATGGGGGGATGTTATCTCTCAGGGGAGCGGGCACCGGGGGCCTTGGCCTAGCCATC[G>A]AGGGTCCCTCGGAAGCCAAGATGTCCTGCAAGGACAACAAGGATGGTAGCTGCACCGTGG-3'
Protein context (NP_001449.3, residues 1378-1398): AGTGGLGLAI[Glu1388Lys]GPSEAKMSCK

ClinVar aggregate classification (germline): Uncertain significance (1 of 4 stars; one submission).

Conditions:
Myofibrillar myopathy 5. Also called: FILAMINOPATHY, AUTOSOMAL DOMINANT; Filaminopathy (type). Identifiers: Orphanet 171445, MedGen C1836050, MONDO:0012289, OMIM 609524.
Hypertrophic cardiomyopathy 26. Also called: Cardiomyopathy, familial hypertrophic, 26. Identifiers: Orphanet 75249, MedGen C4310749, MONDO:0014883, OMIM 617047.
Distal myopathy with posterior leg and anterior hand involvement. Also called: WILLIAMS DISTAL MYOPATHY. Identifiers: Orphanet 63273, MedGen C3279722, MONDO:0013550, OMIM 614065.

Allele frequency attached by ClinVar (database versions not stated): gnomAD exomes below 0.00001; gnomAD 0.00001; ExAC 0.00002; 1000 Genomes Project 0.00020; 1000 Genomes Project 30x 0.00031.
gnomAD v4.1: 2 of 1,614,158 alleles (0.00012%); highest among the groups gnomAD compares: Admixed American, 0.0017%; no homozygotes.

Submission:

Labcorp Genetics (formerly Invitae), Labcorp
Classification: Uncertain significance for Distal myopathy with posterior leg and anterior hand involvement; Myofibrillar myopathy 5; Hypertrophic cardiomyopathy 26. Last evaluated: 2024-05-28. Review status: criteria provided, single submitter. Criteria: Invitae Variant Classification Sherloc (09022015). Collection method: clinical testing. Allele origin: germline.
Comment: This sequence change replaces glutamic acid, which is acidic and polar, with lysine, which is basic and polar, at codon 1388 of the FLNC protein (p.Glu1388Lys). This variant is present in population databases (rs531903474, gnomAD 0.006%). This variant has not been reported in the literature in individuals affected with FLNC-related conditions. ClinVar contains an entry for this variant (Variation ID: 2171651). Advanced modeling of protein sequence and biophysical properties (such as structural, functional, and spatial information, amino acid conservation, physicochemical variation, residue mobility, and thermodynamic stability) has been performed at Invitae for this missense variant, however the output from this modeling did not meet the statistical confidence thresholds required to predict the impact of this variant on FLNC protein function. In summary, the available evidence is currently insufficient to determine the role of this variant in disease. Therefore, it has been classified as a Variant of Uncertain Significance.